The following is an entry in ClinVar:

ClinVar aggregate classification (germline): Pathogenic (1 of 4 stars; one submission).

Conditions:
Kindler syndrome (KNDLRS). Also called: Poikiloderma of Kindler; Congenital bullous poikiloderma; Kindler's syndrome; POIKILODERMA, CONGENITAL, WITH BULLAE, WEARY TYPE; POIKILODERMA, HEREDITARY ACROKERATOTIC; Hereditary acrokeratotic poikiloderma of Weary. Identifiers: Orphanet 2908, Orphanet 306539, MedGen C0406557, MONDO:0008260, OMIM 173650.

Submission:

Molecular Genetics, Royal Melbourne Hospital
Classification: Pathogenic for Kindler syndrome. Last evaluated: 2022-03-03. Review status: criteria provided, single submitter. Criteria: ACMG Guidelines, 2015. Collection method: clinical testing. Allele origin: germline. Affected: yes.
Comment: This sequence change in FERMT1 is a nonsense variant predicted to cause a premature stop codon, p.(Glu550*), in biologically-relevant-exon 13/15 leading to nonsense mediated decay in a gene in which loss-of-function is an established disease mechanism (PMID: 26937547). This variant is absent from gnomAD v2.1 and v3.1. To our knowledge, this variant has not been reported in the literature in any individuals with FERMT1-related disease. Based on the classification scheme RMH Modified ACMG Guidelines v1.5.1, this variant is classified as PATHOGENIC. Following criteria are met: PVS1, PM2_Supporting, PM3_Supporting.

Literature cited by the submitters: PubMed 26937547.

NM_017671.5(FERMT1):c.1648G>T (p.Glu550Ter)

Gene: FERMT1 (FERM domain containing kindlin 1; minus strand). Cytogenetic location: 20p12.3.
Variant type: single nucleotide variant.
Coding change: c.1648G>T on transcript NM_017671.5 (MANE Select); coding-DNA position 1648, G replaced by T.
Protein change: p.Glu550Ter; replaces glutamic acid 550 with a stop codon.
Molecular consequence: nonsense.
Genome position (GRCh38, 1-based): chr20:6,084,110, C>A on the plus strand (G>T on the coding strand, the complement: FERMT1 is on the minus strand). VCF-style: chr20-6084110-C-A. GRCh37 (hg19) VCF-style: chr20-6064757-C-A.
Other names: short protein forms E550*.
Identifiers: ClinVar variation 3068631 (VCV003068631.1), dbSNP rs755090824, ClinGen allele CA408177364.